The following is an entry in ClinVar:

ClinVar aggregate classification (germline): Benign/Likely benign. Review status: criteria provided, multiple submitters, no conflicts (2 of 4 stars). 3 submissions from 2 submitters: Benign (1); Likely benign (2). Last evaluated 2024-09-04.

Conditions:
Diffuse nonepidermolytic palmoplantar keratoderma (NEPPK). Also called: Nonepidermolytic palmoplantar hyperkeratosis; Nonepidermolytic palmoplantar keratoderma. Identifiers: Orphanet 530838, MedGen C1833030, MONDO:0010962, OMIM 600962, HP:0007404.
Epidermolytic ichthyosis. Also called: Congenital bullous ichthyosiform erythroderma; Bullous ichthyosiform erythroderma; Epidermolytic Hyperkeratosis; KRT10-Related Epidermolytic Hyperkeratosis. Identifiers: Orphanet 312, MedGen C0079153, MONDO:0007239, HP:0007475.

Allele frequency attached by ClinVar (database versions not stated): gnomAD exomes below 0.00001 and 0.00001; gnomAD 0.00001 and 0.00002; TOPMed 0.00001; ExAC 0.00002; 1000 Genomes Project 30x 0.00031; 1000 Genomes Project 0.00040.
gnomAD v4.1: 6 of 1,614,190 alleles (0.00037%); highest among the groups gnomAD compares: Admixed American, 0.0083%; no homozygotes.

Submissions (3):

Labcorp Genetics (formerly Invitae), Labcorp
Classification: Likely benign. Last evaluated: 2024-09-04. Review status: criteria provided, single submitter. Criteria: Invitae Variant Classification Sherloc (09022015). Collection method: clinical testing. Allele origin: germline.

Illumina Laboratory Services, Illumina
Classification: Likely benign for Diffuse nonepidermolytic palmoplantar keratoderma. Last evaluated: 2018-01-13. Review status: criteria provided, single submitter. Criteria: ICSL Variant Classification Criteria 13 December 2019. Collection method: clinical testing. Allele origin: germline.
Comment: This variant was observed in the ICSL laboratory as part of a predisposition screen in an ostensibly healthy population. It had not been previously curated by ICSL or reported in the Human Gene Mutation Database (HGMD: prior to June 1st, 2018), and was therefore a candidate for classification through an automated scoring system. Utilizing variant allele frequency, disease prevalence and penetrance estimates, and inheritance mode, an automated score was calculated to assess if this variant is too frequent to cause the disease. Based on the score and internal cut-off values, a variant classified as likely benign is not then subjected to further curation. The score for this variant resulted in a classification of likely benign for this disease.

Illumina Laboratory Services, Illumina
Classification: Benign for Epidermolytic hyperkeratosis 1. Last evaluated: 2018-01-13. Review status: criteria provided, single submitter. Criteria: ICSL Variant Classification Criteria 13 December 2019. Collection method: clinical testing. Allele origin: germline.
Comment: This variant was observed in the ICSL laboratory as part of a predisposition screen in an ostensibly healthy population. It had not been previously curated by ICSL or reported in the Human Gene Mutation Database (HGMD: prior to June 1st, 2018), and was therefore a candidate for classification through an automated scoring system. Utilizing variant allele frequency, disease prevalence and penetrance estimates, and inheritance mode, an automated score was calculated to assess if this variant is too frequent to cause the disease. Based on the score and internal cut-off values, a variant classified as benign is not then subjected to further curation. The score for this variant resulted in a classification of benign for this disease.

NM_006121.4(KRT1):c.1482T>C (p.Ser494=)

Gene: KRT1 (keratin 1; minus strand). Cytogenetic location: 12q13.13.
Variant type: single nucleotide variant.
Coding change: c.1482T>C on transcript NM_006121.4 (MANE Select); coding-DNA position 1482, T replaced by C.
Protein change: p.Ser494=; no amino-acid change (serine 494 retained).
Molecular consequence: synonymous variant.
Genome position (GRCh38, 1-based): chr12:52,675,738, A>G on the plus strand (T>C on the coding strand, the complement: KRT1 is on the minus strand). VCF-style: chr12-52675738-A-G. GRCh37 (hg19) VCF-style: chr12-53069522-A-G.
Identifiers: ClinVar variation 309642 (VCV000309642.8), dbSNP rs181516749, ClinGen allele CA6586146.